The following is an entry in ClinVar:

NM_138295.5(PKD1L1):c.7519G>A (p.Val2507Met)

Genes: PKD1L1 (polycystin 1 like 1, transient receptor potential channel interacting; minus strand), PKD1L1-AS1 (PKD1L1 antisense RNA 1; plus strand). Cytogenetic location: 7p12.3.
Variant type: single nucleotide variant.
Coding change: c.7519G>A on transcript NM_138295.5 (MANE Select); coding-DNA position 7519, G replaced by A.
Protein change: p.Val2507Met; replaces valine 2507 with methionine.
Molecular consequence: missense variant.
Genome position (GRCh38, 1-based): chr7:47,811,879, C>T on the plus strand (G>A on the coding strand, the complement: PKD1L1 is on the minus strand). VCF-style: chr7-47811879-C-T. GRCh37 (hg19) VCF-style: chr7-47851477-C-T.
Other names: short protein forms V2507M.
Identifiers: ClinVar variation 3036039 (VCV003036039.5), dbSNP rs758524871, ClinGen allele CA4252004.

ClinVar aggregate classification (germline): Uncertain significance. Review status: criteria provided, multiple submitters, no conflicts (2 of 4 stars). 3 submissions from 3 submitters: Uncertain significance (2). 1 of the submissions does not count toward it. Last evaluated 2025-12-11.

Conditions:
Inborn genetic diseases. Identifiers: MedGen C0950123, MeSH D030342.
PKD1L1-related disorder. Also called: PKD1L1-related condition.

Allele frequency attached by ClinVar (database versions not stated): gnomAD exomes 0.00001; gnomAD 0.00003; TOPMed 0.00006; ExAC 0.00007.
gnomAD v4.1: 37 of 1,611,188 alleles (0.0023%); highest among the groups gnomAD compares: East Asian, 0.04%; 1 homozygote.

Submissions (3):

Labcorp Genetics (formerly Invitae), Labcorp
Classification: Uncertain significance. Last evaluated: 2025-12-11. Review status: criteria provided, single submitter. Criteria: Invitae Variant Classification Sherloc (09022015). Collection method: clinical testing. Allele origin: germline.
Comment: This sequence change replaces valine, which is neutral and non-polar, with methionine, which is neutral and non-polar, at codon 2507 of the PKD1L1 protein (p.Val2507Met). This variant is present in population databases (rs758524871, gnomAD 0.1%). This variant has not been reported in the literature in individuals affected with PKD1L1-related conditions. ClinVar contains an entry for this variant (Variation ID: 3036039). Invitae Evidence Modeling of protein sequence and biophysical properties (such as structural, functional, and spatial information, amino acid conservation, physicochemical variation, residue mobility, and thermodynamic stability) indicates that this missense variant is expected to disrupt PKD1L1 protein function with a positive predictive value of 80%. In summary, the available evidence is currently insufficient to determine the role of this variant in disease. Therefore, it has been classified as a Variant of Uncertain Significance.

Ambry Genetics
Classification: Uncertain significance for Inborn genetic diseases. Last evaluated: 2025-05-19. Review status: criteria provided, single submitter. Criteria: Ambry Variant Classification Scheme 2023. Collection method: clinical testing. Allele origin: germline.

PreventionGenetics, part of Exact Sciences
Classification: Uncertain significance for PKD1L1-related condition. Last evaluated: 2023-12-06. Review status: no assertion criteria provided. Collection method: clinical testing. Allele origin: germline. Not counted in ClinVar's aggregate classification.
Comment: The PKD1L1 c.7519G>A variant is predicted to result in the amino acid substitution p.Val2507Met. To our knowledge, this variant has not been reported in the literature. This variant is reported in 0.096% of alleles in individuals of East Asian descent in gnomAD. Although we suspect that this variant may be benign, at this time, the clinical significance of this variant is uncertain due to the absence of conclusive functional and genetic evidence.